The following is an entry in ClinVar:

ClinVar aggregate classification (germline): Uncertain significance (1 of 4 stars; one submission).

Conditions:
Hereditary cancer-predisposing syndrome. Also called: Tumor predisposition; Neoplastic Syndromes, Hereditary; Hereditary Cancer Syndrome; Hereditary neoplastic syndrome. Identifiers: Orphanet 140162, MedGen C0027672, MeSH D009386, MONDO:0015356.

Submission:

Ambry Genetics
Classification: Uncertain significance for Hereditary cancer-predisposing syndrome. Last evaluated: 2025-01-20. Review status: criteria provided, single submitter. Criteria: Ambry Variant Classification Scheme 2023. Collection method: clinical testing. Allele origin: germline.
Comment: The p.T336I variant (also known as c.1007C>T), located in coding exon 9 of the MITF gene, results from a C to T substitution at nucleotide position 1007. The threonine at codon 336 is replaced by isoleucine, an amino acid with similar properties. This amino acid position is conserved. In addition, this alteration is predicted to be tolerated by in silico analysis. Based on the available evidence, the clinical significance of this variant remains unclear.

NM_001354604.2(MITF):c.1328C>T (p.Thr443Ile)

Gene: MITF (melanocyte inducing transcription factor; plus strand). Cytogenetic location: 3p13.
Variant type: single nucleotide variant.
Coding change: c.1328C>T on transcript NM_001354604.2 (MANE Select); coding-DNA position 1328, C replaced by T.
Protein change: p.Thr443Ile; replaces threonine 443 with isoleucine.
Molecular consequence: missense variant.
Genome position (GRCh38, 1-based): chr3:69,964,995, C>T. VCF-style: chr3-69964995-C-T. GRCh37 (hg19) VCF-style: chr3-70014146-C-T.
Other names: c.1007C>T, p.Thr336Ile (NM_000248.4); c.1154C>T, p.Thr385Ile (NM_001184967.2, NM_001354608.2); c.1325C>T, p.Thr442Ile (NM_001354605.2); c.1307C>T, p.Thr436Ile (NM_001354606.2, NM_006722.3); c.1259C>T, p.Thr420Ile (NM_001354607.2); c.989C>T, p.Thr330Ile (NM_198158.3); c.1310C>T, p.Thr437Ile (NM_198159.3); c.1262C>T, p.Thr421Ile (NM_198177.3); and 1 more; short protein forms T274I, T336I, T436I, T442I, T421I, T437I, T330I, T385I.
Identifiers: ClinVar variation 3873228 (VCV003873228.1).